The following is an entry in ClinVar:

NM_005359.6(SMAD4):c.586dup (p.Ser196fs)

Gene: SMAD4 (SMAD family member 4; plus strand). Cytogenetic location: 18q21.2.
Variant type: Duplication.
Coding change: c.586dup on transcript NM_005359.6 (MANE Select); coding-DNA position 586, one base duplicated (A; older notation c.586dupA).
Protein change: p.Ser196fs; shifts the reading frame from serine 196.
Molecular consequence: frameshift variant. On other transcripts: non-coding transcript variant (2).
Genome position (GRCh38, 1-based): chr18:51,054,912, A duplicated. VCF-style (leftmost placement, unchanged base first): chr18-51054911-C-CA. GRCh37 (hg19) VCF-style: chr18-48581281-C-CA.
Other names: c.586dup, p.Ser196fs (NM_001407041.1, NM_001407042.1, NM_001407043.1); short protein forms S196fs.
Identifiers: ClinVar variation 3148389 (VCV003148389.1), dbSNP rs2511374611, ClinGen allele CA2825002691.
Genomic context (GRCh38, chr18:51,054,911, plus strand): 5'-AGGACATTCAATTCAAACCATCCAGCATCCACCAAGTAATCGTGCATCGACAGAGACATA[C>CA]AGCACCCCAGCTCTGTTAGCCCCATCTGAGTCTAATGCTACCAGCACTGCCAACTTTCCC-3'

ClinVar aggregate classification (germline): Pathogenic (1 of 4 stars; one submission).

Conditions:
Juvenile polyposis/hereditary hemorrhagic telangiectasia syndrome (JPHT). Also called: Juvenile Polyposis Syndrome / Hereditary Hemorrhagic Telangiectasia (JPS/HHT); JP/HHT SYNDROME; JUVENILE POLYPOSIS WITH HEREDITARY HEMORRHAGIC TELANGIECTASIA; POLYPOSIS, GENERALIZED JUVENILE, WITH PULMONARY ARTERIOVENOUS MALFORMATION; TELANGIECTASIA, HEREDITARY HEMORRHAGIC, WITH JUVENILE POLYPOSIS COLI. Identifiers: Orphanet 2929, MedGen C1832942, MONDO:0008278, OMIM 175050.

Submission:

Myriad Genetics, Inc.
Classification: Pathogenic for Juvenile polyposis/hereditary hemorrhagic telangiectasia syndrome. Last evaluated: 2024-02-09. Review status: criteria provided, single submitter. Criteria: Myriad Autosomal Dominant, Autosomal Recessive and X-Linked Classification Criteria (2023). Collection method: clinical testing. Allele origin: unknown.
Comment: This variant is considered pathogenic. This variant creates a frameshift predicted to result in premature protein truncation.